The following is an entry in ClinVar:

NM_006947.4(SRP72):c.230+10T>G

Gene: SRP72 (signal recognition particle 72; plus strand). Cytogenetic location: 4q12.
Variant type: single nucleotide variant.
Coding change: c.230+10T>G on transcript NM_006947.4 (MANE Select); 10 bases into the intron after coding-DNA position 230, T replaced by G.
Molecular consequence: intron variant.
Genome position (GRCh38, 1-based): chr4:56,469,783, T>G. VCF-style: chr4-56469783-T-G. GRCh37 (hg19) VCF-style: chr4-57335949-T-G.
Other names: c.230+10T>G (NM_001267722.2).
Identifiers: ClinVar variation 3031599 (VCV003031599.2), dbSNP rs2545745152, ClinGen allele CA2740091276.

ClinVar aggregate classification (germline): Likely benign (0 of 4 stars; one submission).

Conditions:
SRP72-related disorder. Also called: SRP72-related condition.

Submission:

PreventionGenetics, part of Exact Sciences
Classification: Likely benign for SRP72-related condition. Last evaluated: 2023-12-28. Review status: no assertion criteria provided. Collection method: clinical testing. Allele origin: germline.
Comment: This variant is classified as likely benign based on ACMG/AMP sequence variant interpretation guidelines (Richards et al. 2015 PMID: 25741868, with internal and published modifications).